The following is an entry in ClinVar:

NM_032608.7(MYO18B):c.6157-2A>G

Gene: MYO18B (myosin XVIIIB; plus strand). Cytogenetic location: 22q12.1.
Variant type: single nucleotide variant.
Coding change: c.6157-2A>G on transcript NM_032608.7 (MANE Select); the canonical splice acceptor site of the intron before coding-DNA position 6157, A replaced by G.
Molecular consequence: splice acceptor variant.
Genome position (GRCh38, 1-based): chr22:25,992,361, A>G. VCF-style: chr22-25992361-A-G. GRCh37 (hg19) VCF-style: chr22-26388327-A-G.
Other names: c.6160-2A>G (NM_001318245.2).
Identifiers: ClinVar variation 4703187 (VCV004703187.1).

ClinVar aggregate classification (germline): Likely pathogenic (1 of 4 stars; one submission).

gnomAD v4.1: 9 of 1,613,690 alleles (0.00056%); highest among the groups gnomAD compares: Admixed American, 0.013%; no homozygotes.

Submission:

Labcorp Genetics (formerly Invitae), Labcorp
Classification: Likely pathogenic. Last evaluated: 2025-07-16. Review status: criteria provided, single submitter. Criteria: Invitae Variant Classification Sherloc (09022015). Collection method: clinical testing. Allele origin: germline.
Comment: This sequence change affects an acceptor splice site in intron 39 of the MYO18B gene. It is expected to disrupt RNA splicing. Variants that disrupt the donor or acceptor splice site typically lead to a loss of protein function (PMID: 16199547), and loss-of-function variants in MYO18B are known to be pathogenic (PMID: 25748484, 32184166, 32637634). This variant is present in population databases (no rsID available, gnomAD 0.006%). This variant has not been reported in the literature in individuals affected with MYO18B-related conditions. Algorithms developed to predict the effect of sequence changes on RNA splicing suggest that this variant may disrupt the consensus splice site. In summary, the currently available evidence indicates that the variant is pathogenic, but additional data are needed to prove that conclusively. Therefore, this variant has been classified as Likely Pathogenic.

Literature cited by the submitters: PubMed 16199547; PubMed 25748484; PubMed 32184166; PubMed 32637634.